The following is an entry in ClinVar:

ClinVar aggregate classification (germline): Uncertain significance (0 of 4 stars; one submission).

Conditions:
BBS4-related disorder. Also called: BBS4-related condition.

Submission:

PreventionGenetics, part of Exact Sciences
Classification: Uncertain significance for BBS4-related condition. Last evaluated: 2023-11-06. Review status: no assertion criteria provided. Collection method: clinical testing. Allele origin: germline.
Comment: The BBS4 c.1213C>T variant is predicted to result in the amino acid substitution p.Leu405Phe. To our knowledge, this variant has not been reported in the literature or in a large population database, indicating this variant is rare. At this time, the clinical significance of this variant is uncertain due to the absence of conclusive functional and genetic evidence.

NM_033028.5(BBS4):c.1213C>T (p.Leu405Phe)

Gene: BBS4 (Bardet-Biedl syndrome 4; plus strand). Cytogenetic location: 15q24.1.
Variant type: single nucleotide variant.
Coding change: c.1213C>T on transcript NM_033028.5 (MANE Select); coding-DNA position 1213, C replaced by T.
Protein change: p.Leu405Phe; replaces leucine 405 with phenylalanine.
Molecular consequence: missense variant. On other transcripts: non-coding transcript variant (2).
Genome position (GRCh38, 1-based): chr15:72,735,931, C>T. VCF-style: chr15-72735931-C-T. GRCh37 (hg19) VCF-style: chr15-73028272-C-T.
Other names: c.697C>T, p.Leu233Phe (NM_001252678.2); c.1144C>T, p.Leu382Phe (NM_001320665.2); short protein forms L233F, L382F, L405F.
Identifiers: ClinVar variation 3348224 (VCV003348224.1).
Genomic context (GRCh38, chr15:72,735,931, plus strand): 5'-CAGGGCGAGAAGAAGAACGCCCTGGCCCAATATCAGGAGATGGAGAAGAAAGTCAGCCTA[C>T]TCAAGGACAATAGCTCTCTGGAATTTGACTCTGAGGTATGTCTTTTATTAGCTCCCAAGA-3'
Protein context (NP_149017.2, residues 395-415): YQEMEKKVSL[Leu405Phe]KDNSSLEFDS